The following is an entry in ClinVar:

ClinVar aggregate classification (germline): Conflicting classifications of pathogenicity. Review status: criteria provided, conflicting classifications (1 of 4 stars). 5 submissions from 5 submitters: Uncertain significance (4); Likely benign (1). Last evaluated 2026-06-29.

Conditions:
Hereditary cancer-predisposing syndrome. Also called: Neoplastic Syndromes, Hereditary; Hereditary neoplastic syndrome; Hereditary Cancer Syndrome; Tumor predisposition. Identifiers: Orphanet 140162, MedGen C0027672, MeSH D009386, MONDO:0015356.
Hereditary diffuse gastric adenocarcinoma (HDGC). Also called: DIFFUSE GASTRIC AND LOBULAR BREAST CANCER SYNDROME. Identifiers: Orphanet 26106, MedGen C1708349, MONDO:0007648, OMIM 137215.

gnomAD v4.1: 2 of 1,614,088 alleles (0.00012%); highest among the groups gnomAD compares: African/African-American, 0.0013%; no homozygotes.

Submissions (5):

Ambry Genetics
Classification: Likely benign for Hereditary cancer-predisposing syndrome. Last evaluated: 2026-06-29. Review status: criteria provided, single submitter. Criteria: Ambry Variant Classification Scheme 2023. Collection method: clinical testing. Allele origin: germline.

Labcorp Genetics (formerly Invitae), Labcorp
Classification: Uncertain significance for Hereditary diffuse gastric adenocarcinoma. Last evaluated: 2025-07-21. Review status: criteria provided, single submitter. Criteria: Invitae Variant Classification Sherloc (09022015). Collection method: clinical testing. Allele origin: germline.
Comment: This sequence change replaces alanine, which is neutral and non-polar, with serine, which is neutral and polar, at codon 617 of the CDH1 protein (p.Ala617Ser). The frequency data for this variant in the population databases is considered unreliable, as metrics indicate poor data quality at this position in the gnomAD database. This variant has not been reported in the literature in individuals affected with CDH1-related conditions. ClinVar contains an entry for this variant (Variation ID: 463732). An algorithm developed to predict the effect of missense changes on protein structure and function (PolyPhen-2) suggests that this variant is likely to be tolerated. In summary, the available evidence is currently insufficient to determine the role of this variant in disease. Therefore, it has been classified as a Variant of Uncertain Significance.

GeneDx
Classification: Uncertain significance. Last evaluated: 2023-07-07. Review status: criteria provided, single submitter. Criteria: GeneDx Variant Classification Process June 2021. Collection method: clinical testing. Allele origin: germline. Affected: yes.
Comment: Not observed at significant frequency in large population cohorts (gnomAD); In silico analysis supports that this missense variant does not alter protein structure/function; Has not been previously published as pathogenic or benign to our knowledge; This variant is associated with the following publications: (PMID: 15235021, 22850631)

Sema4
Classification: Uncertain significance for Hereditary cancer-predisposing syndrome. Last evaluated: 2022-02-15. Review status: criteria provided, single submitter. Criteria: Sema4 Curation Guidelines. Collection method: curation. Allele origin: germline.
Comment: The CDH1 c.1849G>T (p.A617S) variant has not been reported in the literature to our knowledge. It was observed in 1/16256 chromosomes of the African/African American subpopulation in the large and broad cohorts of the Genome Aggregation Database (PMID: 32461654). The variant has been reported in ClinVar (Variation ID 463732). In silico tools suggest the impact of the variant on protein function is benign, though these predictions have not been confirmed by functional studies. The evidence is insufficient to meet ACMG/AMP criteria for classifying the variant as benign or pathogenic. Thus, the clinical significance of this variant is currently uncertain.

Color Diagnostics, LLC DBA Color Health
Classification: Uncertain significance for Hereditary cancer-predisposing syndrome. Last evaluated: 2019-03-30. Review status: criteria provided, single submitter. Criteria: ACMG Guidelines, 2015. Collection method: clinical testing. Allele origin: germline.

NM_004360.5(CDH1):c.1849G>T (p.Ala617Ser)

Gene: CDH1 (cadherin 1; plus strand). Cytogenetic location: 16q22.1.
Variant type: single nucleotide variant.
Coding change: c.1849G>T on transcript NM_004360.5 (MANE Select); coding-DNA position 1849, G replaced by T.
Protein change: p.Ala617Ser; replaces alanine 617 with serine.
Molecular consequence: missense variant. On other transcripts: 5 prime UTR variant (1).
Genome position (GRCh38, 1-based): chr16:68,822,138, G>T. VCF-style: chr16-68822138-G-T. GRCh37 (hg19) VCF-style: chr16-68856041-G-T.
Other names: c.1849G>T (LRG_301t1); c.1666G>T, p.Ala556Ser (NM_001317184.2); c.301G>T, p.Ala101Ser (NM_001317185.2); c.-117G>T (NM_001317186.2); short protein forms A617S, A101S, A556S.
Identifiers: ClinVar variation 463732 (VCV000463732.23), dbSNP rs33935154, ClinGen allele CA396467006.
Genomic context (GRCh38, chr16:68,822,138, plus strand): 5'-CCTCGAACTATATTCTTCTGTGAGAGGAATCCAAAGCCTCAGGTCATAAACATCATTGAT[G>T]CAGACCTTCCTCCCAATACATCTCCCTTCACAGCAGAACTAACACACGGGGCGAGTGCCA-3'
Protein context (NP_004351.1, residues 607-627): PKPQVINIID[Ala617Ser]DLPPNTSPFT